The following is an entry in ClinVar:

ClinVar aggregate classification (germline): Uncertain significance. Review status: criteria provided, multiple submitters, no conflicts (2 of 4 stars). 2 submissions from 2 submitters: Uncertain significance (2). Last evaluated 2024-02-03.

Conditions:
Epidermolysis bullosa simplex 7, with nephropathy and deafness. Also called: Nephropathy with Pretibial Epidermolysis Bullosa and Deafness; Nephrotic syndrome - deafness - pretibial epidermolysis bullosa syndrome. Identifiers: Orphanet 300333, MedGen C1836823, MONDO:0012190, OMIM 609057.
RAPH BLOOD GROUP SYSTEM. Also called: MER2 BLOOD CELL ANTIGEN EXPRESSION. Identifiers: MedGen C1867341, OMIM 179620.

Allele frequency attached by ClinVar (database versions not stated): gnomAD exomes below 0.00001; gnomAD 0.00001; TOPMed 0.00001; ExAC 0.00004.
gnomAD v4.1: 6 of 1,608,834 alleles (0.00037%); highest among the groups gnomAD compares: Admixed American, 0.01%; no homozygotes.

Submissions (2):

Fulgent Genetics
Classification: Uncertain significance for RAPH BLOOD GROUP SYSTEM; Epidermolysis bullosa simplex 7, with nephropathy and deafness. Last evaluated: 2024-02-03. Review status: criteria provided, single submitter. Criteria: ACMG Guidelines, 2015. Collection method: clinical testing. Allele origin: germline.

Labcorp Genetics (formerly Invitae), Labcorp
Classification: Uncertain significance. Last evaluated: 2022-10-24. Review status: criteria provided, single submitter. Criteria: Invitae Variant Classification Sherloc (09022015). Collection method: clinical testing. Allele origin: germline.
Comment: In summary, the available evidence is currently insufficient to determine the role of this variant in disease. Therefore, it has been classified as a Variant of Uncertain Significance. Algorithms developed to predict the effect of sequence changes on RNA splicing suggest that this variant may create or strengthen a splice site. This variant has not been reported in the literature in individuals affected with CD151-related conditions. This variant is present in population databases (rs766643476, gnomAD 0.02%). This sequence change falls in intron 5 of the CD151 gene. It does not directly change the encoded amino acid sequence of the CD151 protein.

NM_004357.5(CD151):c.352-11C>G

Gene: CD151 (CD151 molecule (Raph blood group); plus strand). Cytogenetic location: 11p15.5.
Variant type: single nucleotide variant.
Coding change: c.352-11C>G on transcript NM_004357.5 (MANE Select); 11 bases into the intron before coding-DNA position 352, C replaced by G.
Molecular consequence: intron variant.
Genome position (GRCh38, 1-based): chr11:837,239, C>G. VCF-style: chr11-837239-C-G. GRCh37 (hg19) VCF-style: chr11-837239-C-G.
Other names: c.352-11C>G (NM_139030.4, NM_139029.2, NM_001039490.2).
Identifiers: ClinVar variation 2066958 (VCV002066958.5), dbSNP rs766643476, ClinGen allele CA5792174.